The following is an entry in ClinVar:

ClinVar aggregate classification (germline): Likely benign (1 of 4 stars; one submission).

Conditions:
Cardiac arrhythmia, ankyrin-B-related. Also called: ANKYRIN-B SYNDROME. Identifiers: Orphanet 101016, Orphanet 768, MedGen C1970119, MONDO:0010958, OMIM 600919.

Allele frequency attached by ClinVar (database versions not stated): TOPMed 0.00008; gnomAD exomes 0.00021; 1000 Genomes Project 30x 0.00031; gnomAD 0.00035 and 0.00036; 1000 Genomes Project 0.00040.
gnomAD v4.1: 319 of 1,472,162 alleles (0.022%); highest among the groups gnomAD compares: Non-Finnish European, 0.015%; 1 homozygote.

Submission:

Illumina Laboratory Services, Illumina
Classification: Likely benign for Cardiac arrhythmia, ankyrin-B-related. Last evaluated: 2018-01-13. Review status: criteria provided, single submitter. Criteria: ICSL Variant Classification Criteria 13 December 2019. Collection method: clinical testing. Allele origin: germline.
Comment: This variant was observed in the ICSL laboratory as part of a predisposition screen in an ostensibly healthy population. It had not been previously curated by ICSL or reported in the Human Gene Mutation Database (HGMD: prior to June 1st, 2018), and was therefore a candidate for classification through an automated scoring system. Utilizing variant allele frequency, disease prevalence and penetrance estimates, and inheritance mode, an automated score was calculated to assess if this variant is too frequent to cause the disease. Based on the score and internal cut-off values, a variant classified as likely benign is not then subjected to further curation. The score for this variant resulted in a classification of likely benign for this disease.

NM_001148.6(ANK2):c.*243A>T

Gene: ANK2 (ankyrin 2; plus strand). Cytogenetic location: 4q26.
Variant type: single nucleotide variant.
Coding change: c.*243A>T on transcript NM_001148.6 (MANE Select); 243 bases downstream of the stop codon, A replaced by T.
Molecular consequence: 3 prime UTR variant.
Genome position (GRCh38, 1-based): chr4:113,381,714, A>T. VCF-style: chr4-113381714-A-T. GRCh37 (hg19) VCF-style: chr4-114302870-A-T.
Other names: c.*243A>T (NM_001127493.3, NM_001354225.2, NM_001354228.2 and 67 more transcripts); c.*74A>T (NM_001386174.1, NM_001386175.1).
Identifiers: ClinVar variation 903142 (VCV000903142.4), dbSNP rs186133938, ClinGen allele CA103831310.
Genomic context (GRCh38, chr4:113,381,714, plus strand): 5'-TCTCACACCAGAAACCACACATTCACTCAATATGCAGCTTCCTGTTTCAGTAGGGGAGTG[A>T]CCTAACTGGCCTAATTAATGGGATACCCCGACATTTCCACTGTTAGCAAATATACGGCAT-3'